The following is an entry in ClinVar:

ClinVar aggregate classification (germline): Uncertain significance. Review status: criteria provided, multiple submitters, no conflicts (2 of 4 stars). 3 submissions from 3 submitters: Uncertain significance (3). Last evaluated 2025-05-13.

Conditions:
Familial thoracic aortic aneurysm and aortic dissection (TAAD). Also called: Thoracic aortic aneurysms and dissections. Identifiers: Orphanet 91387, MedGen C4707243, MONDO:0019625.
Aortic aneurysm, familial thoracic 4 (AAT4). Also called: AORTIC ANEURYSM/AORTIC DISSECTION AND PATENT DUCTUS ARTERIOSUS. Identifiers: MedGen C1851504, MONDO:0007568, OMIM 132900.

gnomAD v4.1: 2 of 1,614,116 alleles (0.00012%); highest among the groups gnomAD compares: Non-Finnish European, 0.00017%; no homozygotes.

Submissions (3):

Labcorp Genetics (formerly Invitae), Labcorp
Classification: Uncertain significance for Aortic aneurysm, familial thoracic 4. Last evaluated: 2025-05-13. Review status: criteria provided, single submitter. Criteria: Invitae Variant Classification Sherloc (09022015). Collection method: clinical testing. Allele origin: germline.
Comment: This sequence change falls in intron 35 of the MYH11 gene. It does not directly change the encoded amino acid sequence of the MYH11 protein. It affects a nucleotide within the consensus splice site. This variant is not present in population databases (gnomAD no frequency). This variant has not been reported in the literature in individuals affected with MYH11-related conditions. ClinVar contains an entry for this variant (Variation ID: 3390387). Variants that disrupt the consensus splice site are a relatively common cause of aberrant splicing (PMID: 17576681, 9536098). Algorithms developed to predict the effect of sequence changes on RNA splicing suggest that this variant may disrupt the consensus splice site. In summary, the available evidence is currently insufficient to determine the role of this variant in disease. Therefore, it has been classified as a Variant of Uncertain Significance.

Ambry Genetics
Classification: Uncertain significance for Familial thoracic aortic aneurysm and aortic dissection. Last evaluated: 2025-02-27. Review status: criteria provided, single submitter. Criteria: Ambry Variant Classification Scheme 2023. Collection method: clinical testing. Allele origin: germline.
Comment: The c.4954-3C>G intronic variant results from a C to G substitution 3 nucleotides upstream from coding exon 34 in the MYH11 gene. This nucleotide position is well conserved in available vertebrate species. In silico splice site analysis predicts that this alteration will result in the creation or strengthening of a novel splice acceptor site. Based on the available evidence, the clinical significance of this variant remains unclear.

GeneDx
Classification: Uncertain significance. Last evaluated: 2024-06-12. Review status: criteria provided, single submitter. Criteria: GeneDx Variant Classification Process June 2021. Collection method: clinical testing. Allele origin: germline. Affected: yes.
Comment: Not observed at significant frequency in large population cohorts (gnomAD); In silico analysis supports a deleterious effect on splicing; Has not been previously published as pathogenic or benign to our knowledge

Literature cited by the submitters: PubMed 17576681 (cited by Labcorp Genetics (formerly Invitae), Labcorp); PubMed 9536098 (cited by Labcorp Genetics (formerly Invitae), Labcorp).

NM_002474.3(MYH11):c.4954-3C>G

Genes: NDE1 (nudE neurodevelopment protein 1; plus strand), MYH11 (myosin heavy chain 11; minus strand). Cytogenetic location: 16p13.11.
Variant type: single nucleotide variant.
Coding change: c.4954-3C>G on transcript NM_002474.3 (MANE Select); 3 bases into the intron before coding-DNA position 4954, C replaced by G.
Molecular consequence: intron variant.
Genome position (GRCh38, 1-based): chr16:15,719,716, G>C on the plus strand (C>G on the coding strand, the complement: MYH11 is on the minus strand). VCF-style: chr16-15719716-G-C. GRCh37 (hg19) VCF-style: chr16-15813573-G-C.
Other names: c.4954-3C>G (NM_002474.2, NM_022844.3); c.4975-3C>G (NM_001040114.2, NM_001040113.2); c.948-4475G>C (NM_001143979.2, NM_017668.3).
Identifiers: ClinVar variation 3390387 (VCV003390387.4).